The following is an entry in ClinVar:

NM_001382391.1(CSPP1):c.2866G>T (p.Ala956Ser)

Gene: CSPP1 (centrosome and spindle pole associated protein 1; plus strand). Cytogenetic location: 8q13.2.
Variant type: single nucleotide variant.
Coding change: c.2866G>T on transcript NM_001382391.1 (MANE Select); coding-DNA position 2866, G replaced by T.
Protein change: p.Ala956Ser; replaces alanine 956 with serine.
Molecular consequence: missense variant.
Genome position (GRCh38, 1-based): chr8:67,172,453, G>T. VCF-style: chr8-67172453-G-T. GRCh37 (hg19) VCF-style: chr8-68084688-G-T.
Other names: c.1816G>T, p.Ala606Ser (NM_001291339.2); c.2785G>T, p.Ala929Ser (NM_001363131.2); c.2671G>T, p.Ala891Ser (NM_001363132.2); c.2590G>T, p.Ala864Ser (NM_001363133.2); c.2932G>T, p.Ala978Ser (NM_001364869.1); c.2752G>T, p.Ala918Ser (NM_001364870.1); c.2851G>T, p.Ala951Ser (NM_024790.7); short protein forms A606S, A864S, A891S, A918S, A929S, A951S, A956S, A978S.
Identifiers: ClinVar variation 1019795 (VCV001019795.6), dbSNP rs745710780, ClinGen allele CA4770978.
Genomic context (GRCh38, chr8:67,172,453, plus strand): 5'-TATGATTTGTCATTTATCTATAGGAAAAAGGAAAGGAATCCCATGGATATATTTGATATG[G>T]CTAGACATCGGTTGCAAGCTCCTGTCAGAAGACAGTCCCCTAAGGGCTTAGACGCTGCCA-3'
Protein context (NP_001369320.1, residues 946-966): ERNPMDIFDM[Ala956Ser]RHRLQAPVRR

ClinVar aggregate classification (germline): Uncertain significance (1 of 4 stars; one submission).

Conditions:
Joubert syndrome 21 (JBTS21). Identifiers: MedGen C3810212, MONDO:0014288, OMIM 615636.

Allele frequency attached by ClinVar (database versions not stated): gnomAD exomes below 0.00001 and 0.00001; TOPMed below 0.00001; gnomAD 0.00001; ExAC 0.00002.
gnomAD v4.1: 4 of 1,612,968 alleles (0.00025%); highest among the groups gnomAD compares: Non-Finnish European, 0.00034%; no homozygotes.

Submission:

Labcorp Genetics (formerly Invitae), Labcorp
Classification: Uncertain significance for Joubert syndrome 21. Last evaluated: 2021-08-27. Review status: criteria provided, single submitter. Criteria: Invitae Variant Classification Sherloc (09022015). Collection method: clinical testing. Allele origin: germline.
Comment: This sequence change replaces alanine with serine at codon 951 of the CSPP1 protein (p.Ala951Ser). The alanine residue is highly conserved and there is a moderate physicochemical difference between alanine and serine. This variant is present in population databases (rs745710780, ExAC 0.003%). This variant has not been reported in the literature in individuals affected with CSPP1-related conditions. Algorithms developed to predict the effect of missense changes on protein structure and function are either unavailable or do not agree on the potential impact of this missense change (SIFT: "Deleterious"; PolyPhen-2: "Possibly Damaging"; Align-GVGD: "Class C0"). In summary, the available evidence is currently insufficient to determine the role of this variant in disease. Therefore, it has been classified as a Variant of Uncertain Significance.